The following is an entry in ClinVar:

NM_000179.3(MSH6):c.2173A>C (p.Ile725Leu)

Gene: MSH6 (mutS homolog 6; plus strand). Cytogenetic location: 2p16.3.
Variant type: single nucleotide variant.
Coding change: c.2173A>C on transcript NM_000179.3 (MANE Select); coding-DNA position 2173, A replaced by C.
Protein change: p.Ile725Leu; replaces isoleucine 725 with leucine.
Molecular consequence: missense variant.
Genome position (GRCh38, 1-based): chr2:47,800,156, A>C. VCF-style: chr2-47800156-A-C. GRCh37 (hg19) VCF-style: chr2-48027295-A-C.
Other names: c.1783A>C, p.Ile595Leu (NM_001281492.2); c.1267A>C, p.Ile423Leu (NM_001281493.2, NM_001281494.2); short protein forms I595L, I725L, I423L.
Identifiers: ClinVar variation 1478123 (VCV001478123.8), dbSNP rs148898662, ClinGen allele CA346751180.

ClinVar aggregate classification (germline): Uncertain significance (1 of 4 stars; one submission).

Conditions:
Hereditary nonpolyposis colorectal neoplasms. Identifiers: MedGen C0009405, MeSH D003123.

Submission:

Labcorp Genetics (formerly Invitae), Labcorp
Classification: Uncertain significance for Hereditary nonpolyposis colorectal neoplasms. Last evaluated: 2021-04-29. Review status: criteria provided, single submitter. Criteria: Invitae Variant Classification Sherloc (09022015). Collection method: clinical testing. Allele origin: germline.
Comment: This sequence change replaces isoleucine with leucine at codon 725 of the MSH6 protein (p.Ile725Leu). The isoleucine residue is weakly conserved and there is a small physicochemical difference between isoleucine and leucine. This variant is not present in population databases (ExAC no frequency). This variant has not been reported in the literature in individuals with MSH6-related conditions. Advanced modeling of protein sequence and biophysical properties (such as structural, functional, and spatial information, amino acid conservation, physicochemical variation, residue mobility, and thermodynamic stability) performed at Invitae indicates that this missense variant is not expected to disrupt MSH6 protein function. In summary, the available evidence is currently insufficient to determine the role of this variant in disease. Therefore, it has been classified as a Variant of Uncertain Significance.